The following is an entry in ClinVar:

NM_002156.5(HSPD1):c.1399A>G (p.Ile467Val)

Gene: HSPD1 (heat shock protein family D (Hsp60) member 1; minus strand). Cytogenetic location: 2q33.1.
Variant type: single nucleotide variant.
Coding change: c.1399A>G on transcript NM_002156.5 (MANE Select); coding-DNA position 1399, A replaced by G.
Protein change: p.Ile467Val; replaces isoleucine 467 with valine.
Molecular consequence: missense variant.
Genome position (GRCh38, 1-based): chr2:197,488,028, T>C on the plus strand (A>G on the coding strand, the complement: HSPD1 is on the minus strand). VCF-style: chr2-197488028-T-C. GRCh37 (hg19) VCF-style: chr2-198352752-T-C.
Other names: c.1399A>G, p.Ile467Val (NM_199440.2); short protein forms I467V.
Identifiers: ClinVar variation 3696234 (VCV003696234.2).

ClinVar aggregate classification (germline): Uncertain significance (1 of 4 stars; one submission).

Conditions:
Spastic paraplegia. Identifiers: MedGen C0037772, HP:0001258.

gnomAD v4.1: 4 of 1,599,908 alleles (0.00025%); highest among the groups gnomAD compares: African/African-American, 0.0054%; no homozygotes.

Submission:

Labcorp Genetics (formerly Invitae), Labcorp
Classification: Uncertain significance for Spastic paraplegia. Last evaluated: 2025-01-30. Review status: criteria provided, single submitter. Criteria: Invitae Variant Classification Sherloc (09022015). Collection method: clinical testing. Allele origin: germline.
Comment: This sequence change replaces isoleucine, which is neutral and non-polar, with valine, which is neutral and non-polar, at codon 467 of the HSPD1 protein (p.Ile467Val). This variant is not present in population databases (gnomAD no frequency). This variant has not been reported in the literature in individuals affected with HSPD1-related conditions. Invitae Evidence Modeling of protein sequence and biophysical properties (such as structural, functional, and spatial information, amino acid conservation, physicochemical variation, residue mobility, and thermodynamic stability) indicates that this missense variant is not expected to disrupt HSPD1 protein function with a negative predictive value of 80%. In summary, the available evidence is currently insufficient to determine the role of this variant in disease. Therefore, it has been classified as a Variant of Uncertain Significance.